The following is an entry in ClinVar:

NM_001001331.4(ATP2B2):c.1349T>G (p.Val450Gly)

Gene: ATP2B2 (ATPase plasma membrane Ca2+ transporting 2; minus strand). Cytogenetic location: 3p25.3.
Variant type: single nucleotide variant.
Coding change: c.1349T>G on transcript NM_001001331.4 (MANE Select); coding-DNA position 1349, T replaced by G.
Protein change: p.Val450Gly; replaces valine 450 with glycine.
Molecular consequence: missense variant.
Genome position (GRCh38, 1-based): chr3:10,375,497, A>C on the plus strand (T>G on the coding strand, the complement: ATP2B2 is on the minus strand). VCF-style: chr3-10375497-A-C. GRCh37 (hg19) VCF-style: chr3-10417181-A-C.
Other names: c.1214T>G, p.Val405Gly (NM_001330611.3, NM_001353564.1, NM_001363862.1 and 2 more transcripts); c.1256T>G, p.Val419Gly (NM_001438646.1); short protein forms V405G, V450G, V419G.
Identifiers: ClinVar variation 5008145 (VCV005008145.1).

ClinVar aggregate classification (germline): Uncertain significance (1 of 4 stars; one submission).

Submission:

GeneDx
Classification: Uncertain significance. Last evaluated: 2026-02-26. Review status: criteria provided, single submitter. Criteria: GeneDx Variant Classification Process June 2021. Collection method: clinical testing. Allele origin: germline.
Comment: Not observed at significant frequency in large population cohorts (gnomAD); In silico analysis supports that this missense variant has a deleterious effect on protein structure/function; Has not been previously published as pathogenic or benign to our knowledge